The following is an entry in ClinVar:

NM_004086.3(COCH):c.429A>G (p.Pro143=)

Genes: COCH (cochlin; plus strand), COCH-AS1 (COCH antisense RNA 1; minus strand). Cytogenetic location: 14q12.
Variant type: single nucleotide variant.
Coding change: c.429A>G on transcript NM_004086.3 (MANE Select); coding-DNA position 429, A replaced by G.
Protein change: p.Pro143=; no amino-acid change (proline 143 retained).
Molecular consequence: synonymous variant.
Genome position (GRCh38, 1-based): chr14:30,879,478, A>G. VCF-style: chr14-30879478-A-G. GRCh37 (hg19) VCF-style: chr14-31348684-A-G.
Other names: NM_004086.2(COCH):c.429A>G; c.429A>G, p.Pro143= (NM_001135058.2); c.624A>G, p.Pro208= (NM_001347720.2).
Identifiers: ClinVar variation 227258 (VCV000227258.20), dbSNP rs147841606, ClinGen allele CA7143032.

ClinVar aggregate classification (germline): Benign. Review status: reviewed by expert panel (3 of 4 stars). 6 submissions from 6 submitters: Benign (1). 5 of the submissions do not count toward it. Last evaluated 2019-03-25.

Conditions:
Nonsyndromic genetic hearing loss. Also called: Nonsyndromic hearing loss and deafness; Nonsyndromic genetic deafness; Non-syndromic genetic deafness. Identifiers: Orphanet 87884, MedGen C5680182, MONDO:0019497.
Autosomal dominant nonsyndromic hearing loss 9. Identifiers: Orphanet 90635, MedGen C1832425, MONDO:0011058, OMIM 601369.

Allele frequency attached by ClinVar (database versions not stated): gnomAD exomes 0.00004 and 0.00013; ExAC 0.00012; ESP Exome Variant Server 0.00046; gnomAD 0.00048 and 0.00055; TOPMed 0.00054; 1000 Genomes Project 0.00060; 1000 Genomes Project 30x 0.00062.
gnomAD v4.1: 150 of 1,614,130 alleles (0.0093%); highest among the groups gnomAD compares: African/African-American, 0.14%; 1 homozygote.

Submissions (6):

ClinGen Hearing Loss Variant Curation Expert Panel
Classification: Benign for Nonsyndromic genetic hearing loss. Last evaluated: 2019-03-25. Review status: reviewed by expert panel. Criteria: ClinGen HL ACMG Specifications v1. Collection method: curation. Allele origin: germline. Inheritance: Autosomal dominant inheritance.
Comment: The filtering allele frequency (the lower threshold of the 95% CI of 44/24026) of the c.429A>G (p.Pro143=) variant in the COCH gene is 0.14% for African chromosomes by gnomAD, which is a high enough frequency to be classified as benign based on thresholds defined by the ClinGen Hearing Loss Expert Panel for autosomal dominant hearing loss variants (BA1).

Labcorp Genetics (formerly Invitae), Labcorp
Classification: Likely benign. Last evaluated: 2025-04-15. Review status: criteria provided, single submitter. Criteria: Invitae Variant Classification Sherloc (09022015). Collection method: clinical testing. Allele origin: germline. Not counted in ClinVar's aggregate classification.

Blueprint Genetics
Classification: Likely benign. Last evaluated: 2024-08-20. Review status: criteria provided, single submitter. Criteria: ACMG Guidelines, 2015. Collection method: clinical testing. Allele origin: germline. Not counted in ClinVar's aggregate classification.

GeneDx
Classification: Likely benign. Last evaluated: 2020-07-14. Review status: criteria provided, single submitter. Criteria: GeneDx Variant Classification Process June 2021. Collection method: clinical testing. Allele origin: germline. Affected: yes. Not counted in ClinVar's aggregate classification.

Illumina Laboratory Services, Illumina
Classification: Likely benign for Autosomal dominant nonsyndromic hearing loss 9. Last evaluated: 2018-01-12. Review status: criteria provided, single submitter. Criteria: ICSL Variant Classification Criteria 13 December 2019. Collection method: clinical testing. Allele origin: germline. Not counted in ClinVar's aggregate classification.
Comment: This variant was observed in the ICSL laboratory as part of a predisposition screen in an ostensibly healthy population. It had not been previously curated by ICSL or reported in the Human Gene Mutation Database (HGMD: prior to June 1st, 2018), and was therefore a candidate for classification through an automated scoring system. Utilizing variant allele frequency, disease prevalence and penetrance estimates, and inheritance mode, an automated score was calculated to assess if this variant is too frequent to cause the disease. Based on the score and internal cut-off values, a variant classified as likely benign is not then subjected to further curation. The score for this variant resulted in a classification of likely benign for this disease.

Laboratory for Molecular Medicine, Mass General Brigham Personalized Medicine
Classification: Likely benign. Last evaluated: 2015-05-14. Review status: criteria provided, single submitter. Criteria: LMM Criteria. Collection method: clinical testing. Allele origin: germline. Observed: 1 variant allele. Not counted in ClinVar's aggregate classification.
Comment: p.Pro143Pro in exon 06 of COCH: This variant is not expected to have clinical si gnificance because it does not alter an amino acid residue, is not located withi n the splice consensus sequence, and has been identified in 0.1% (11/10382) of A frican chromosomes by the Exome Aggregation Consortium (ExAC; dbSNP rs147841606).